The following is an entry in ClinVar:

ClinVar aggregate classification (germline): Conflicting classifications of pathogenicity. Review status: criteria provided, conflicting classifications (1 of 4 stars). 2 submissions from 1 submitter: Uncertain significance (1); Likely benign (1). Last evaluated 2018-01-13.

Conditions:
Neuroblastoma, susceptibility to, 2. Identifiers: Orphanet 635, MedGen C2751682, MONDO:0700041, OMIM 613013.
Congenital central hypoventilation. Also called: Congenital Central Hypoventilation Syndrome. Identifiers: Orphanet 661, Orphanet 99803, MedGen C1275808, MONDO:0800031. Disease mechanism: gain of function.

Allele frequency attached by ClinVar (database versions not stated): gnomAD exomes 0.00013; 1000 Genomes Project 30x 0.00062; 1000 Genomes Project 0.00080; gnomAD 0.00119 and 0.00131; TOPMed 0.00145.

Submissions (2):

Illumina Laboratory Services, Illumina
Classification: Likely benign for Central hypoventilation syndrome, congenital, 1, with or without Hirschsprung disease. Last evaluated: 2018-01-13. Review status: criteria provided, single submitter. Criteria: ICSL Variant Classification Criteria 13 December 2019. Collection method: clinical testing. Allele origin: germline.
Comment: This variant was observed in the ICSL laboratory as part of a predisposition screen in an ostensibly healthy population. It had not been previously curated by ICSL or reported in the Human Gene Mutation Database (HGMD: prior to June 1st, 2018), and was therefore a candidate for classification through an automated scoring system. Utilizing variant allele frequency, disease prevalence and penetrance estimates, and inheritance mode, an automated score was calculated to assess if this variant is too frequent to cause the disease. Based on the score and internal cut-off values, a variant classified as likely benign is not then subjected to further curation. The score for this variant resulted in a classification of likely benign for this disease.

Illumina Laboratory Services, Illumina
Classification: Uncertain significance for Neuroblastoma, susceptibility to, 2. Last evaluated: 2018-01-13. Review status: criteria provided, single submitter. Criteria: ICSL Variant Classification Criteria 13 December 2019. Collection method: clinical testing. Allele origin: germline.

NM_003924.4(PHOX2B):c.*60G>A

Gene: PHOX2B (paired like homeobox 2B; minus strand). Cytogenetic location: 4p13.
Variant type: single nucleotide variant.
Coding change: c.*60G>A on transcript NM_003924.4 (MANE Select); 60 bases downstream of the stop codon, G replaced by A.
Molecular consequence: 3 prime UTR variant.
Genome position (GRCh38, 1-based): chr4:41,745,747, C>T on the plus strand (G>A on the coding strand, the complement: PHOX2B is on the minus strand). VCF-style: chr4-41745747-C-T. GRCh37 (hg19) VCF-style: chr4-41747764-C-T.
Identifiers: ClinVar variation 348803 (VCV000348803.5), dbSNP rs558416040, ClinGen allele CA10621097.